The following is an entry in ClinVar:

ClinVar aggregate classification (germline): Uncertain significance. Review status: criteria provided, multiple submitters, no conflicts (2 of 4 stars). 2 submissions from 2 submitters: Uncertain significance (2). Last evaluated 2025-12-09.

Conditions:
Birt-Hogg-Dube syndrome. Also called: Birt Hogg Dubé syndrome. Identifiers: Orphanet 122, MedGen C0346010, MONDO:0800444.
Hereditary cancer-predisposing syndrome. Also called: Neoplastic Syndromes, Hereditary; Tumor predisposition; Hereditary neoplastic syndrome; Hereditary Cancer Syndrome. Identifiers: Orphanet 140162, MedGen C0027672, MeSH D009386, MONDO:0015356.

gnomAD v4.1: 1 of 1,614,198 alleles (0.000062%); highest among the groups gnomAD compares: Non-Finnish European, 0.000085%; no homozygotes.

Submissions (2):

Ambry Genetics
Classification: Uncertain significance for Hereditary cancer-predisposing syndrome. Last evaluated: 2025-12-09. Review status: criteria provided, single submitter. Criteria: Ambry Variant Classification Scheme 2023. Collection method: clinical testing. Allele origin: germline.
Comment: The p.Y561C variant (also known as c.1682A>G), located in coding exon 11 of the FLCN gene, results from an A to G substitution at nucleotide position 1682. The tyrosine at codon 561 is replaced by cysteine, an amino acid with highly dissimilar properties. This amino acid position is conserved. In addition, this alteration is predicted to be deleterious by in silico analysis. Based on the available evidence, the clinical significance of this variant remains unclear.

Labcorp Genetics (formerly Invitae), Labcorp
Classification: Uncertain significance for Birt-Hogg-Dube syndrome. Last evaluated: 2023-07-26. Review status: criteria provided, single submitter. Criteria: Invitae Variant Classification Sherloc (09022015). Collection method: clinical testing. Allele origin: germline.
Comment: This sequence change replaces tyrosine, which is neutral and polar, with cysteine, which is neutral and slightly polar, at codon 561 of the FLCN protein (p.Tyr561Cys). In summary, the available evidence is currently insufficient to determine the role of this variant in disease. Therefore, it has been classified as a Variant of Uncertain Significance. Advanced modeling of protein sequence and biophysical properties (such as structural, functional, and spatial information, amino acid conservation, physicochemical variation, residue mobility, and thermodynamic stability) has been performed at Invitae for this missense variant, however the output from this modeling did not meet the statistical confidence thresholds required to predict the impact of this variant on FLCN protein function. This variant has not been reported in the literature in individuals affected with FLCN-related conditions. This variant is not present in population databases (gnomAD no frequency).

NM_144997.7(FLCN):c.1682A>G (p.Tyr561Cys)

Gene: FLCN (folliculin; minus strand). Cytogenetic location: 17p11.2.
Variant type: single nucleotide variant.
Coding change: c.1682A>G on transcript NM_144997.7 (MANE Select); coding-DNA position 1682, A replaced by G.
Protein change: p.Tyr561Cys; replaces tyrosine 561 with cysteine.
Molecular consequence: missense variant.
Genome position (GRCh38, 1-based): chr17:17,213,713, T>C on the plus strand (A>G on the coding strand, the complement: FLCN is on the minus strand). VCF-style: chr17-17213713-T-C. GRCh37 (hg19) VCF-style: chr17-17117027-T-C.
Other names: c.1736A>G, p.Tyr579Cys (NM_001353229.2); c.1682A>G, p.Tyr561Cys (NM_001353230.2, NM_001353231.2); short protein forms Y561C, Y579C.
Identifiers: ClinVar variation 2915148 (VCV002915148.4), dbSNP rs2046817737, ClinGen allele CA398529862.
Genomic context (GRCh38, chr17:17,213,713, plus strand): 5'-GGTCAGTTCCGAGACTCCGAGGCTGTGGGGCTGCGGACCGTGGACATGAGGTGTGACTTG[T>C]AGGTCTTGCTCAGGCCAGTCATCCAGAACTTCAGCAGCTTGACATTGTCCTCCTCGGACG-3'
Protein context (NP_659434.2, residues 551-571): KFWMTGLSKT[Tyr561Cys]KSHLMSTVRS